The following is an entry in ClinVar:

NM_001358530.2(MOCS1):c.136C>T (p.Arg46Trp)

Gene: MOCS1 (molybdenum cofactor synthesis 1; minus strand). Cytogenetic location: 6p21.2.
Variant type: single nucleotide variant.
Coding change: c.136C>T on transcript NM_001358530.2 (MANE Select); coding-DNA position 136, C replaced by T.
Protein change: p.Arg46Trp; replaces arginine 46 with tryptophan.
Molecular consequence: missense variant. On other transcripts: 5 prime UTR variant (1), intron variant (2).
Genome position (GRCh38, 1-based): chr6:39,927,443, G>A on the plus strand (C>T on the coding strand, the complement: MOCS1 is on the minus strand). VCF-style: chr6-39927443-G-A. GRCh37 (hg19) VCF-style: chr6-39895182-G-A.
Other names: c.136C>T, p.Arg46Trp (NM_001075098.4, NM_001358529.2, NM_005943.6); c.-126C>T (NM_001358534.2); c.-11-1598C>T (NM_001358531.2, NM_001358533.2); short protein forms R46W.
Identifiers: ClinVar variation 1014682 (VCV001014682.8), dbSNP rs777830465, ClinGen allele CA3796431.
Genomic context (GRCh38, chr6:39,927,443, plus strand): 5'-CGAAGCTGTCTGTGAGGAAGGCGGAGAAGGGGGCCGCATGCTCCCGCAGGAACTGCCTCC[G>A]CCTGGACACCTCCTGCGAGGACAGACCAGGGAGGAAGCATGGGCCCCTGCTACCGGGCTG-3'
Protein context (NP_001345459.1, residues 36-56): ARAASEEVSR[Arg46Trp]RQFLREHAAP

ClinVar aggregate classification (germline): Uncertain significance (1 of 4 stars; one submission).

Conditions:
Sulfite oxidase deficiency due to molybdenum cofactor deficiency type A. Also called: Molybdenum cofactor deficiency, complementation group A; Molybdenum Cofactor Deficiency A. Identifiers: Orphanet 308386, Orphanet 833, MedGen C1854988, MONDO:0009643, OMIM 252150.

Allele frequency attached by ClinVar (database versions not stated): TOPMed 0.00001; gnomAD 0.00002; ExAC 0.00004.

Submission:

Labcorp Genetics (formerly Invitae), Labcorp
Classification: Uncertain significance for Sulfite oxidase deficiency due to molybdenum cofactor deficiency type A. Last evaluated: 2024-06-03. Review status: criteria provided, single submitter. Criteria: Invitae Variant Classification Sherloc (09022015). Collection method: clinical testing. Allele origin: germline.
Comment: This sequence change replaces arginine, which is basic and polar, with tryptophan, which is neutral and slightly polar, at codon 46 of the MOCS1 protein (p.Arg46Trp). This variant is present in population databases (rs777830465, gnomAD 0.02%). This variant has not been reported in the literature in individuals affected with MOCS1-related conditions. ClinVar contains an entry for this variant (Variation ID: 1014682). An algorithm developed to predict the effect of missense changes on protein structure and function (PolyPhen-2) suggests that this variant is likely to be disruptive. In summary, the available evidence is currently insufficient to determine the role of this variant in disease. Therefore, it has been classified as a Variant of Uncertain Significance.